The following is an entry in ClinVar:

NM_053025.4(MYLK):c.842A>G (p.Lys281Arg)

Gene: MYLK (myosin light chain kinase; minus strand). Cytogenetic location: 3q21.1.
Variant type: single nucleotide variant.
Coding change: c.842A>G on transcript NM_053025.4 (MANE Select); coding-DNA position 842, A replaced by G.
Protein change: p.Lys281Arg; replaces lysine 281 with arginine.
Molecular consequence: missense variant.
Genome position (GRCh38, 1-based): chr3:123,734,154, T>C on the plus strand (A>G on the coding strand, the complement: MYLK is on the minus strand). VCF-style: chr3-123734154-T-C. GRCh37 (hg19) VCF-style: chr3-123453001-T-C.
Other names: c.314A>G, p.Lys105Arg (NM_001321309.2); c.842A>G, p.Lys281Arg (NM_053026.4, NM_053027.4, NM_053028.4); short protein forms K281R, K105R.
Identifiers: ClinVar variation 576135 (VCV000576135.19), dbSNP rs147770839, ClinGen allele CA073699.
Genomic context (GRCh38, chr3:123,734,154, plus strand): 5'-TGGGGGCTGGAGCAGTTCTTGCTTTTGGCTGCAGCCTCCAGACTGTCCAGCTTCGACTCC[T>C]TTGAGATTACATTGGTCACCTCTTTCCTGACATCTGAATTGGTGGCTTTTGTTTCTCTCA-3'
Protein context (NP_444253.3, residues 271-291): VRKEVTNVIS[Lys281Arg]ESKLDSLEAA

ClinVar aggregate classification (germline): Conflicting classifications of pathogenicity. Review status: criteria provided, conflicting classifications (1 of 4 stars). 5 submissions from 5 submitters: Uncertain significance (3); Likely benign (2). Last evaluated 2025-07-11.

Conditions:
Aortic aneurysm, familial thoracic 7 (AAT7). Also called: AORTIC DISSECTION, FAMILIAL, WITH OR WITHOUT AORTIC ANEURYSM. Identifiers: MedGen C3151077, MONDO:0013418, OMIM 613780.
Familial thoracic aortic aneurysm and aortic dissection (TAAD). Also called: Thoracic aortic aneurysms and dissections. Identifiers: Orphanet 91387, MedGen C4707243, MONDO:0019625.

Allele frequency attached by ClinVar (database versions not stated): gnomAD exomes 0.00002 and 0.00006; ExAC 0.00010; gnomAD 0.00020 and 0.00022; TOPMed 0.00021; ESP Exome Variant Server 0.00031.
gnomAD v4.1: 57 of 1,566,968 alleles (0.0036%); highest among the groups gnomAD compares: African/African-American, 0.072%; no homozygotes.

Submissions (5):

Ambry Genetics
Classification: Likely benign for Familial thoracic aortic aneurysm and aortic dissection. Last evaluated: 2025-07-11. Review status: criteria provided, single submitter. Criteria: Ambry Variant Classification Scheme 2023. Collection method: clinical testing. Allele origin: germline.

Labcorp Genetics (formerly Invitae), Labcorp
Classification: Likely benign for Aortic aneurysm, familial thoracic 7. Last evaluated: 2025-04-21. Review status: criteria provided, single submitter. Criteria: Invitae Variant Classification Sherloc (09022015). Collection method: clinical testing. Allele origin: germline.

GeneDx
Classification: Uncertain significance. Last evaluated: 2020-06-24. Review status: criteria provided, single submitter. Criteria: GeneDx Variant Classification Process June 2021. Collection method: clinical testing. Allele origin: germline. Affected: yes.
Comment: Has not been previously published as pathogenic or benign to our knowledge; In silico analysis, which includes protein predictors and evolutionary conservation, supports that this variant does not alter protein structure/function; Reported in ClinVar as a variant of uncertain significance (ClinVar Variant ID#576135; Landrum et al., 2016)

Illumina Laboratory Services, Illumina
Classification: Uncertain significance for Aortic aneurysm, familial thoracic 7. Last evaluated: 2018-01-13. Review status: criteria provided, single submitter. Criteria: ICSL Variant Classification Criteria 13 December 2019. Collection method: clinical testing. Allele origin: germline.

Seattle Children's Hospital Molecular Genetics Laboratory, Seattle Children's Hospital
Classification: Uncertain significance. Review status: criteria provided, single submitter. Criteria: ACMG Guidelines, 2015. Collection method: clinical testing. Allele origin: germline. Affected: yes.
Comment: The c.842A>G variant substitutes the lysine with arginine at position 281 of the protein. This variant has been observed in large population studies (18 total alleles, including 17 of 24,340 alleles in individuals of African ancestry; no homozygotes; gnomAD v2.1.1). This variant is present in the ClinVar database (Variation ID: 576135). In silico tools predict this change is tolerated.